The following is an entry in ClinVar:

ClinVar aggregate classification (germline): Likely benign. Review status: criteria provided, multiple submitters, no conflicts (2 of 4 stars). 4 submissions from 4 submitters: Likely benign (4). Last evaluated 2025-11-20.

Conditions:
FLNC-related disorder. Also called: FLNC-related condition; FLNC-related disorders.
Cardiovascular phenotype. Identifiers: MedGen CN230736.
Distal myopathy with posterior leg and anterior hand involvement. Also called: WILLIAMS DISTAL MYOPATHY. Identifiers: Orphanet 63273, MedGen C3279722, MONDO:0013550, OMIM 614065.
Hypertrophic cardiomyopathy 26. Also called: Cardiomyopathy, familial hypertrophic, 26. Identifiers: Orphanet 75249, MedGen C4310749, MONDO:0014883, OMIM 617047.
Myofibrillar myopathy 5. Also called: Filaminopathy (type); FILAMINOPATHY, AUTOSOMAL DOMINANT. Identifiers: Orphanet 171445, MedGen C1836050, MONDO:0012289, OMIM 609524.

Allele frequency attached by ClinVar (database versions not stated): gnomAD exomes 0.00003; ExAC 0.00005; gnomAD 0.00007; ESP Exome Variant Server 0.00017.
gnomAD v4.1: 31 of 1,548,980 alleles (0.002%); highest among the groups gnomAD compares: African/African-American, 0.018%; no homozygotes.

Submissions (4):

Labcorp Genetics (formerly Invitae), Labcorp
Classification: Likely benign for Distal myopathy with posterior leg and anterior hand involvement; Myofibrillar myopathy 5; Hypertrophic cardiomyopathy 26. Last evaluated: 2025-11-20. Review status: criteria provided, single submitter. Criteria: Invitae Variant Classification Sherloc (09022015). Collection method: clinical testing. Allele origin: germline.

PreventionGenetics, part of Exact Sciences
Classification: Likely benign for FLNC-related condition. Last evaluated: 2025-05-07. Review status: criteria provided, single submitter. Criteria: ACMG Guidelines, 2015. Collection method: clinical testing. Allele origin: germline.
Comment: This variant is classified as likely benign based on ACMG/AMP sequence variant interpretation guidelines (Richards et al. 2015 PMID: 25741868, with internal and published modifications).

Ambry Genetics
Classification: Likely benign for Cardiovascular phenotype. Last evaluated: 2023-04-18. Review status: criteria provided, single submitter. Criteria: Ambry Variant Classification Scheme 2023. Collection method: clinical testing. Allele origin: germline.

Blueprint Genetics
Classification: Likely benign. Last evaluated: 2022-10-04. Review status: criteria provided, single submitter. Criteria: ACMG Guidelines, 2015. Collection method: clinical testing. Allele origin: germline.

NM_001458.5(FLNC):c.2266-4G>A

Gene: FLNC (filamin C; plus strand). Cytogenetic location: 7q32.1.
Variant type: single nucleotide variant.
Coding change: c.2266-4G>A on transcript NM_001458.5 (MANE Select); 4 bases into the intron before coding-DNA position 2266, G replaced by A.
Molecular consequence: intron variant.
Genome position (GRCh38, 1-based): chr7:128,842,571, G>A. VCF-style: chr7-128842571-G-A. GRCh37 (hg19) VCF-style: chr7-128482625-G-A.
Other names: c.2266-4G>A (NM_001127487.2).
Identifiers: ClinVar variation 1153571 (VCV001153571.14), dbSNP rs371719048, ClinGen allele CA4474674.